The following is an entry in ClinVar:

ClinVar aggregate classification (germline): Uncertain significance. Review status: criteria provided, multiple submitters, no conflicts (2 of 4 stars). 2 submissions from 2 submitters: Uncertain significance (2). Last evaluated 2026-01-16.

Conditions:
Deficiency of butyryl-CoA dehydrogenase (ACADSD). Also called: ACYL-CoA DEHYDROGENASE, SHORT-CHAIN, DEFICIENCY OF; SCAD Deficiency; Short-Chain Acyl-CoA Dehydrogenase Deficiency; ACADS DEFICIENCY; SCAD DEFICIENCY, MILD; SCADH DEFICIENCY. Identifiers: Orphanet 26792, MedGen C0342783, MONDO:0008722, OMIM 201470. Disease mechanism: May be benign.

Allele frequency attached by ClinVar (database versions not stated): ExAC 0.00001; gnomAD exomes 0.00002; TOPMed 0.00002; gnomAD 0.00005 and 0.00006.
gnomAD v4.1: 36 of 1,610,650 alleles (0.0022%); highest among the groups gnomAD compares: Non-Finnish European, 0.0026%; no homozygotes.

Submissions (2):

Labcorp Genetics (formerly Invitae), Labcorp
Classification: Uncertain significance for Deficiency of butyryl-CoA dehydrogenase. Last evaluated: 2026-01-16. Review status: criteria provided, single submitter. Criteria: Invitae Variant Classification Sherloc (09022015). Collection method: clinical testing. Allele origin: germline.
Comment: This sequence change replaces valine, which is neutral and non-polar, with methionine, which is neutral and non-polar, at codon 84 of the ACADS protein (p.Val84Met). The frequency data for this variant in the population databases is considered unreliable, as metrics indicate poor data quality at this position in the gnomAD database. This missense change has been observed in individual(s) with a positive newborn screening result for ACADS-related disease (internal data). ClinVar contains an entry for this variant (Variation ID: 1307540). Invitae Evidence Modeling of protein sequence and biophysical properties (such as structural, functional, and spatial information, amino acid conservation, physicochemical variation, residue mobility, and thermodynamic stability) indicates that this missense variant is expected to disrupt ACADS protein function with a positive predictive value of 80%. In summary, the available evidence is currently insufficient to determine the role of this variant in disease. Therefore, it has been classified as a Variant of Uncertain Significance.

GeneDx
Classification: Uncertain significance. Last evaluated: 2025-02-20. Review status: criteria provided, single submitter. Criteria: GeneDx Variant Classification Process June 2021. Collection method: clinical testing. Allele origin: germline. Affected: yes.
Comment: Observed in an infant with acute encephalopathy, however biochemical testing was not performed and a second variant in ACADS was not identified (PMID: 28649538); In silico analysis indicates that this missense variant does not alter protein structure/function; Not observed at significant frequency in large population cohorts (gnomAD); This variant is associated with the following publications: (PMID: 28649538, 37305019)

NM_000017.4(ACADS):c.250G>A (p.Val84Met)

Gene: ACADS (acyl-CoA dehydrogenase short chain; plus strand). Cytogenetic location: 12q24.31.
Variant type: single nucleotide variant.
Coding change: c.250G>A on transcript NM_000017.4 (MANE Select); coding-DNA position 250, G replaced by A.
Protein change: p.Val84Met; replaces valine 84 with methionine.
Molecular consequence: missense variant.
Genome position (GRCh38, 1-based): chr12:120,737,025, G>A. VCF-style: chr12-120737025-G-A. GRCh37 (hg19) VCF-style: chr12-121174828-G-A.
Other names: c.250G>A, p.Val84Met (NM_001302554.2); short protein forms V84M.
Identifiers: ClinVar variation 1307540 (VCV001307540.8), dbSNP rs751283667, ClinGen allele CA6830804.